The following is an entry in ClinVar:

NM_003849.4(SUCLG1):c.345T>C (p.Ala115=)

Gene: SUCLG1 (succinate-CoA ligase GDP/ADP-forming subunit alpha; minus strand). Cytogenetic location: 2p11.2.
Variant type: single nucleotide variant.
Coding change: c.345T>C on transcript NM_003849.4 (MANE Select); coding-DNA position 345, T replaced by C.
Protein change: p.Ala115=; no amino-acid change (alanine 115 retained).
Molecular consequence: synonymous variant.
Genome position (GRCh38, 1-based): chr2:84,441,433, A>G on the plus strand (T>C on the coding strand, the complement: SUCLG1 is on the minus strand). VCF-style: chr2-84441433-A-G. GRCh37 (hg19) VCF-style: chr2-84668557-A-G.
Identifiers: ClinVar variation 337157 (VCV000337157.42), dbSNP rs374594774, ClinGen allele CA1736329.

ClinVar aggregate classification (germline): Conflicting classifications of pathogenicity. Review status: criteria provided, conflicting classifications (1 of 4 stars). 6 submissions from 6 submitters: Uncertain significance (1); Likely benign (4). 1 of the submissions does not count toward it. Last evaluated 2026-05-01.

Conditions:
SUCLG1-related disorder. Also called: SUCLG1-related condition.
Mitochondrial DNA depletion syndrome 9 (MTDPS9). Also called: SUCLG1-Related Mitochondrial DNA Depletion Syndrome, Encephalomyopathic Form with Methylmalonic Aciduria. Identifiers: Orphanet 17, MedGen C3151476, MONDO:0009504, OMIM 245400.

Allele frequency attached by ClinVar (database versions not stated): TOPMed 0.00025; gnomAD 0.00027; gnomAD exomes 0.00027 and 0.00031; ExAC 0.00032; ESP Exome Variant Server 0.00062.
gnomAD v4.1: 501 of 1,614,090 alleles (0.031%); highest among the groups gnomAD compares: Non-Finnish European, 0.039%; 1 homozygote.

Submissions (6):

CeGaT Center for Human Genetics Tuebingen
Classification: Likely benign. Last evaluated: 2026-05-01. Review status: criteria provided, single submitter. Criteria: CeGaT Center For Human Genetics Tuebingen Variant Classification Criteria Version 2. Collection method: clinical testing. Allele origin: germline. Affected: yes. Observed: 4 variant alleles.
Comment: SUCLG1: BP4, BP7

Labcorp Genetics (formerly Invitae), Labcorp
Classification: Likely benign for Mitochondrial DNA depletion syndrome 9. Last evaluated: 2026-01-28. Review status: criteria provided, single submitter. Criteria: Invitae Variant Classification Sherloc (09022015). Collection method: clinical testing. Allele origin: germline.

Blueprint Genetics
Classification: Likely benign. Last evaluated: 2024-10-23. Review status: criteria provided, single submitter. Criteria: ACMG Guidelines, 2015. Collection method: clinical testing. Allele origin: germline.

GeneDx
Classification: Likely benign. Last evaluated: 2020-02-06. Review status: criteria provided, single submitter. Criteria: GeneDx Variant Classification Process June 2021. Collection method: clinical testing. Allele origin: germline. Affected: yes.

Illumina Laboratory Services, Illumina
Classification: Uncertain significance for Mitochondrial DNA depletion syndrome 9. Last evaluated: 2018-01-13. Review status: criteria provided, single submitter. Criteria: ICSL Variant Classification Criteria 13 December 2019. Collection method: clinical testing. Allele origin: germline.

PreventionGenetics, part of Exact Sciences
Classification: Likely benign for SUCLG1-related condition. Last evaluated: 2019-05-23. Review status: no assertion criteria provided. Collection method: clinical testing. Allele origin: germline. Not counted in ClinVar's aggregate classification.
Comment: This variant is classified as likely benign based on ACMG/AMP sequence variant interpretation guidelines (Richards et al. 2015 PMID: 25741868, with internal and published modifications).